The following is an entry in ClinVar:

ClinVar aggregate classification (germline): VUS-low (1 of 4 stars; one submission).

Conditions:
Developmental delay with variable neurologic and brain abnormalities (MLHNS). Also called: MALHOTRA NEURODEVELOPMENTAL SYNDROME. Identifiers: MedGen C5562060, MONDO:0859218, OMIM 619694.

gnomAD v4.1: 2 of 1,613,334 alleles (0.00012%); highest among the groups gnomAD compares: Non-Finnish European, 0.00017%; no homozygotes.

Submission:

Genetics Department, University Hospital of Toulouse
Classification: VUS-low for Developmental delay with variable neurologic and brain abnormalities. Last evaluated: 2026-10-22. Review status: criteria provided, single submitter. Criteria: ACMG Guidelines, 2015. Collection method: clinical testing. Allele origin: unknown. Inheritance: Autosomal dominant inheritance. Affected: yes.
Comment: The LMBRD2 c.1165C>T p.(Leu389Phe) missense variant, to our knowledge, has not been reported in the peer-reviewed literature. This variant is reported in the Genome Aggregation Database in two alleles at a frequency of 0.000001695 in the European (non-Finnish) population (version 4.1.2). This variant has been shown to segregate with disease in this family. Based on the available evidence, the c.1165C>T p.(Leu389Phe) variant has been classified as a variant of uncertain significance for developmental delay with variable neurologic and brain abnormalities.

NM_001007527.2(LMBRD2):c.1165C>T (p.Leu389Phe)

Gene: LMBRD2 (LMBR1 domain containing 2; minus strand). Cytogenetic location: 5p13.2.
Variant type: single nucleotide variant.
Coding change: c.1165C>T on transcript NM_001007527.2 (MANE Select); coding-DNA position 1165, C replaced by T.
Protein change: p.Leu389Phe; replaces leucine 389 with phenylalanine.
Molecular consequence: missense variant.
Genome position (GRCh38, 1-based): chr5:36,117,872, G>A on the plus strand (C>T on the coding strand, the complement: LMBRD2 is on the minus strand). VCF-style: chr5-36117872-G-A. GRCh37 (hg19) VCF-style: chr5-36117974-G-A.
Other names: short protein forms L389F.
Identifiers: ClinVar variation 5043348 (VCV005043348.1).